The following is an entry in ClinVar:

NM_000987.5(RPL26):c.377G>A (p.Arg126His)

Gene: RPL26 (ribosomal protein L26; minus strand). Cytogenetic location: 17p13.1.
Variant type: single nucleotide variant.
Coding change: c.377G>A on transcript NM_000987.5 (MANE Select); coding-DNA position 377, G replaced by A.
Protein change: p.Arg126His; replaces arginine 126 with histidine.
Molecular consequence: missense variant.
Genome position (GRCh38, 1-based): chr17:8,377,625, C>T on the plus strand (G>A on the coding strand, the complement: RPL26 is on the minus strand). VCF-style: chr17-8377625-C-T. GRCh37 (hg19) VCF-style: chr17-8280943-C-T.
Other names: c.377G>A, p.Arg126His (NM_001315530.2, NM_001315531.2); short protein forms R126H.
Identifiers: ClinVar variation 945300 (VCV000945300.17), dbSNP rs932068728, ClinGen allele CA287569035.
Genomic context (GRCh38, chr17:8,377,625, plus strand): 5'-TATTCCTGCATCTTCTCAATGGTTTCTTCCTTGTATTTGCCCTTTTCCTTTCCTACTTGG[C>T]GAGATTTGGCTTTCCGTTCGAGGATCTTTTTGCGGTCTTTGTCCAGTTTTAGCCTAGTGA-3'
Protein context (NP_000978.1, residues 116-136): KKILERKAKS[Arg126His]QVGKEKGKYK

ClinVar aggregate classification (germline): Uncertain significance. Review status: criteria provided, multiple submitters, no conflicts (2 of 4 stars). 4 submissions from 4 submitters: Uncertain significance (4). Last evaluated 2024-01-25.

Conditions:
Diamond-Blackfan anemia 11 (DBA11). Also called: RPL26-Related Diamond-Blackfan Anemia. Identifiers: Orphanet 124, MedGen C3554042, MONDO:0013964, OMIM 614900.
Diamond-Blackfan anemia. Also called: Blackfan Diamond syndrome; Aregenerative anemia chronic congenital; Red cell aplasia, pure hereditary; Congenital hypoplastic anemia; Aase syndrome. Identifiers: Orphanet 124, MedGen C1260899, MeSH D029503, MONDO:0015253, HP:0004810.

Allele frequency attached by ClinVar (database versions not stated): TOPMed 0.00001.

Submissions (4):

Labcorp Genetics (formerly Invitae), Labcorp
Classification: Uncertain significance for Diamond-Blackfan anemia. Last evaluated: 2024-01-25. Review status: criteria provided, single submitter. Criteria: Invitae Variant Classification Sherloc (09022015). Collection method: clinical testing. Allele origin: germline.
Comment: This sequence change replaces arginine, which is basic and polar, with histidine, which is basic and polar, at codon 126 of the RPL26 protein (p.Arg126His). This variant is not present in population databases (gnomAD no frequency). This variant has not been reported in the literature in individuals affected with RPL26-related conditions. ClinVar contains an entry for this variant (Variation ID: 945300). An algorithm developed to predict the effect of missense changes on protein structure and function (PolyPhen-2) suggests that this variant is likely to be tolerated. In summary, the available evidence is currently insufficient to determine the role of this variant in disease. Therefore, it has been classified as a Variant of Uncertain Significance.

Fulgent Genetics
Classification: Uncertain significance for Diamond-Blackfan anemia 11. Last evaluated: 2022-04-29. Review status: criteria provided, single submitter. Criteria: ACMG Guidelines, 2015. Collection method: clinical testing. Allele origin: unknown.

Genetic Services Laboratory, University of Chicago
Classification: Uncertain significance. Last evaluated: 2019-07-05. Review status: criteria provided, single submitter. Criteria: ACMG Guidelines, 2015. Collection method: clinical testing. Allele origin: germline. Affected: no.

Ambry Genetics
Classification: Uncertain significance for Diamond-Blackfan anemia. Last evaluated: 2016-04-27. Review status: criteria provided, single submitter. Criteria: Ambry Variant Classification Scheme 2023. Collection method: clinical testing. Allele origin: germline.
Comment: The p.R126H variant (also known as c.377G>A), located in coding exon 3 of the RPL26 gene, results from a G to A substitution at nucleotide position 377. The arginine at codon 126 is replaced by histidine, an amino acid with highly similar properties. This amino acid position is highly conserved in available vertebrate species. In addition, this alteration is predicted to be tolerated by in silico analysis. Since supporting evidence is limited at this time, the clinical significance of this alteration remains unclear.